The following is an entry in ClinVar:

ClinVar aggregate classification (germline): Uncertain significance. Review status: criteria provided, multiple submitters, no conflicts (2 of 4 stars). 2 submissions from 2 submitters: Uncertain significance (2). Last evaluated 2024-03-05.

Conditions:
Finnish type amyloidosis. Also called: Amyloidosis, familial, Finnish type; Meretoja type amyloidosis; Amyloidosis 5; Lattice corneal dystrophy associated with familial systemic amyloidosis; Meretoja's syndrome; Lattice dystrophy of the cornea with hereditary generalized amyloidosis. Identifiers: Orphanet 85448, MedGen C1622345, MONDO:0007097, OMIM 105120.

Submissions (2):

Baylor Genetics
Classification: Uncertain significance for Finnish type amyloidosis. Last evaluated: 2024-03-05. Review status: criteria provided, single submitter. Criteria: ACMG Guidelines, 2015. Collection method: clinical testing. Allele origin: unknown.

Labcorp Genetics (formerly Invitae), Labcorp
Classification: Uncertain significance. Last evaluated: 2023-11-14. Review status: criteria provided, single submitter. Criteria: Invitae Variant Classification Sherloc (09022015). Collection method: clinical testing. Allele origin: germline.
Comment: This sequence change replaces leucine, which is neutral and non-polar, with phenylalanine, which is neutral and non-polar, at codon 112 of the GSN protein (p.Leu112Phe). This variant is not present in population databases (gnomAD no frequency). This variant has not been reported in the literature in individuals affected with GSN-related conditions. An algorithm developed to predict the effect of missense changes on protein structure and function (PolyPhen-2) suggests that this variant is likely to be disruptive. In summary, the available evidence is currently insufficient to determine the role of this variant in disease. Therefore, it has been classified as a Variant of Uncertain Significance.

NM_198252.3(GSN):c.181C>T (p.Leu61Phe)

Gene: GSN (gelsolin; plus strand). Cytogenetic location: 9q33.2.
Variant type: single nucleotide variant.
Coding change: c.181C>T on transcript NM_198252.3 (MANE Select); coding-DNA position 181, C replaced by T.
Protein change: p.Leu61Phe; replaces leucine 61 with phenylalanine.
Molecular consequence: missense variant. On other transcripts: intron variant (1).
Genome position (GRCh38, 1-based): chr9:121,302,152, C>T. VCF-style: chr9-121302152-C-T. GRCh37 (hg19) VCF-style: chr9-124064430-C-T.
Other names: c.334C>T, p.Leu112Phe (NM_000177.5); c.181C>T, p.Leu61Phe (NM_001127662.2, NM_001127664.2, NM_001127665.2 and 10 more transcripts); c.289C>T, p.Leu97Phe (NM_001127663.2); c.214C>T, p.Leu72Phe (NM_001127666.2, NM_001127667.2, NM_001353063.2 and 13 more transcripts); c.232C>T, p.Leu78Phe (NM_001258029.2); c.205C>T, p.Leu69Phe (NM_001258030.2); c.253C>T, p.Leu85Phe (NM_001353076.2); c.-458-759C>T (NM_001353078.2); short protein forms L61F, L85F, L97F, L69F, L112F, L72F, L78F.
Identifiers: ClinVar variation 2978143 (VCV002978143.4), dbSNP rs2540545078, ClinGen allele CA374732512.